The following is an entry in ClinVar:

ClinVar aggregate classification (germline): Uncertain significance (1 of 4 stars; one submission).

Submission:

Labcorp Genetics (formerly Invitae), Labcorp
Classification: Uncertain significance. Last evaluated: 2022-02-06. Review status: criteria provided, single submitter. Criteria: Invitae Variant Classification Sherloc (09022015). Collection method: clinical testing. Allele origin: germline.
Comment: In summary, the available evidence is currently insufficient to determine the role of this variant in disease. Therefore, it has been classified as a Variant of Uncertain Significance. Algorithms developed to predict the effect of sequence changes on RNA splicing suggest that this variant may disrupt the consensus splice site. Algorithms developed to predict the effect of missense changes on protein structure and function (SIFT, PolyPhen-2, Align-GVGD) all suggest that this variant is likely to be tolerated. This variant has not been reported in the literature in individuals affected with HPS3-related conditions. This variant is not present in population databases (gnomAD no frequency). This sequence change replaces valine, which is neutral and non-polar, with leucine, which is neutral and non-polar, at codon 504 of the HPS3 protein (p.Val504Leu).

NM_032383.5(HPS3):c.1510G>T (p.Val504Leu)

Gene: HPS3 (HPS3 biogenesis of lysosomal organelles complex 2 subunit 1; plus strand). Cytogenetic location: 3q24.
Variant type: single nucleotide variant.
Coding change: c.1510G>T on transcript NM_032383.5 (MANE Select); coding-DNA position 1510, G replaced by T.
Protein change: p.Val504Leu; replaces valine 504 with leucine.
Molecular consequence: missense variant.
Genome position (GRCh38, 1-based): chr3:149,157,350, G>T. VCF-style: chr3-149157350-G-T. GRCh37 (hg19) VCF-style: chr3-148875137-G-T.
Other names: c.1015G>T, p.Val339Leu (NM_001308258.2); short protein forms V339L, V504L.
Identifiers: ClinVar variation 2037508 (VCV002037508.4), dbSNP rs1361196608, ClinGen allele CA354921130.